The following is an entry in ClinVar:

ClinVar aggregate classification (germline): Uncertain significance (1 of 4 stars; one submission).

Conditions:
Cardiomyopathy (CMYO). Also called: Cardiomyopathies. Identifiers: Orphanet 167848, MedGen C0878544, MONDO:0004994, HP:0001638. Inheritance: Various modes of inheritance.

Allele frequency attached by ClinVar (database versions not stated): TOPMed 0.00001.

Submission:

Color Diagnostics, LLC DBA Color Health
Classification: Uncertain significance for Cardiomyopathy. Last evaluated: 2024-03-06. Review status: criteria provided, single submitter. Criteria: ACMG Guidelines, 2015. Collection method: clinical testing. Allele origin: germline.
Comment: This missense variant replaces cysteine with serine at codon 4310 of the RYR2 protein. Computational prediction suggests that this variant may not impact protein structure and function (internally defined REVEL score threshold <= 0.5, PMID: 27666373). To our knowledge, functional studies have not been reported for this variant. This variant has not been reported in individuals affected with cardiovascular disorders in the literature. This variant has not been identified in the general population by the Genome Aggregation Database (gnomAD). The available evidence is insufficient to determine the role of this variant in disease conclusively. Therefore, this variant is classified as a Variant of Uncertain Significance.

NM_001035.3(RYR2):c.12929G>C (p.Cys4310Ser)

Genes: RYR2 (ryanodine receptor 2; plus strand), LOC126806068 (BRD4-independent group 4 enhancer GRCh37_chr1:237947411-237948610; plus strand). Cytogenetic location: 1q43.
Variant type: single nucleotide variant.
Coding change: c.12929G>C on transcript NM_001035.3 (MANE Select); coding-DNA position 12929, G replaced by C.
Protein change: p.Cys4310Ser; replaces cysteine 4310 with serine.
Molecular consequence: missense variant.
Genome position (GRCh38, 1-based): chr1:237,784,641, G>C. VCF-style: chr1-237784641-G-C. GRCh37 (hg19) VCF-style: chr1-237947941-G-C.
Other names: short protein forms C4310S.
Identifiers: ClinVar variation 1171318 (VCV001171318.3), dbSNP rs1695402383, ClinGen allele CA345414736.